The following is an entry in ClinVar:

ClinVar aggregate classification (germline): Likely pathogenic (1 of 4 stars; one submission).

Submission:

CeGaT Center for Human Genetics Tuebingen
Classification: Likely pathogenic. Last evaluated: 2026-07-01. Review status: criteria provided, single submitter. Criteria: CeGaT Center For Human Genetics Tuebingen Variant Classification Criteria Version 2. Collection method: clinical testing. Allele origin: germline. Affected: yes. Observed: 1 variant allele.
Comment: REST: PM2, PS2:Moderate, PVS1:Moderate

NM_005612.5(REST):c.1152del (p.Asn385fs)

Gene: REST (RE1 silencing transcription factor; plus strand). Cytogenetic location: 4q12.
Variant type: Deletion.
Coding change: c.1152del on transcript NM_005612.5 (MANE Select); coding-DNA position 1152, one base deleted (G; older notation c.1152delG).
Protein change: p.Asn385fs; shifts the reading frame from asparagine 385.
Molecular consequence: frameshift variant.
Genome position (GRCh38, 1-based): chr4:56,930,010, G deleted. VCF-style (leftmost placement, unchanged base first): chr4-56930009-TG-T. GRCh37 (hg19) VCF-style: chr4-57796175-TG-T.
Other names: c.1152del, p.Asn385fs (NM_001193508.2, NM_001363453.3); c.1068del, p.Asn357fs (NM_001440532.1, NM_001440533.1); short protein forms N357fs, N385fs.
Identifiers: ClinVar variation 4875360 (VCV004875360.2).